The following is an entry in ClinVar:

NM_182643.3(DLC1):c.2753G>C (p.Arg918Pro)

Gene: DLC1 (DLC1 Rho GTPase activating protein; minus strand). Cytogenetic location: 8p22.
Variant type: single nucleotide variant.
Coding change: c.2753G>C on transcript NM_182643.3 (MANE Select); coding-DNA position 2753, G replaced by C.
Protein change: p.Arg918Pro; replaces arginine 918 with proline.
Molecular consequence: missense variant.
Genome position (GRCh38, 1-based): chr8:13,099,584, C>G on the plus strand (G>C on the coding strand, the complement: DLC1 is on the minus strand). VCF-style: chr8-13099584-C-G. GRCh37 (hg19) VCF-style: chr8-12957093-C-G.
Other names: c.1220G>C, p.Arg407Pro (NM_001164271.2, NM_001348082.2, NM_001348083.1 and 1 more transcripts); c.1544G>C, p.Arg515Pro (NM_001316668.2); c.2753G>C, p.Arg918Pro (NM_001348081.2); c.1442G>C, p.Arg481Pro (NM_006094.5); short protein forms R918P, R481P, R407P, R515P.
Identifiers: ClinVar variation 430439 (VCV000430439.3), dbSNP rs779524261, ClinGen allele CA4638547.

ClinVar aggregate classification (germline): Uncertain significance. Review status: criteria provided, multiple submitters, no conflicts (2 of 4 stars). 2 submissions from 2 submitters: Uncertain significance (2). Last evaluated 2022-03-19.

Conditions:
Colorectal cancer. Also called: Malignant Colorectal Neoplasm; Colorectal cancer, somatic. Identifiers: MedGen C0346629, MONDO:0005575, OMIM 114500.

Allele frequency attached by ClinVar (database versions not stated): ExAC 0.00001.
gnomAD v4.1: 15 of 1,614,190 alleles (0.00093%); highest among the groups gnomAD compares: Non-Finnish European, 0.001%; no homozygotes.

Submissions (2):

Fulgent Genetics
Classification: Uncertain significance for Colorectal cancer. Last evaluated: 2022-03-19. Review status: criteria provided, single submitter. Criteria: ACMG Guidelines, 2015. Collection method: clinical testing. Allele origin: unknown.

GeneDx
Classification: Uncertain significance. Last evaluated: 2017-05-30. Review status: criteria provided, single submitter. Criteria: GeneDx Variant Classification (06012015). Collection method: clinical testing. Allele origin: germline. Affected: yes.
Comment: The R918P variant in the DLC1 gene has not been reported previously as a pathogenic variant, nor as a benign variant, to our knowledge. The R918P variant is not observed in large population cohorts (Lek et al., 2016; 1000 Genomes Consortium et al., 2015; Exome Variant Server). The R918P variant is a non-conservative amino acid substitution, which is likely to impact secondary protein structure as these residues differ in polarity, charge, size and/or other properties. This substitution occurs at a position where amino acids with similar properties to Arginine are tolerated across species. In silico analysis predicts this variant is probably damaging to the protein structure/function. We interpret R918P as a variant of uncertain significance.